The following is an entry in ClinVar:

NM_181426.2(CCDC39):c.139_142del (p.Glu47fs)

Gene: CCDC39 (coiled-coil domain 39 molecular ruler complex subunit; minus strand). Cytogenetic location: 3q26.33.
Variant type: Deletion.
Coding change: c.139_142del on transcript NM_181426.2 (MANE Select); coding-DNA positions 139 to 142, 4 bases deleted (GAGT; older notation c.139_142delGAGT).
Protein change: p.Glu47fs; shifts the reading frame from glutamic acid 47.
Molecular consequence: frameshift variant.
Genome position (GRCh38, 1-based): chr3:180,663,935-180,663,938, ACTC deleted on the plus strand (GAGT on the coding strand, the reverse complement: CCDC39 is on the minus strand); deleting any 4 consecutive bases within chr3:180,663,935-180,663,940 gives the same sequence; the c. name uses the placement nearest the transcript's 3' end. VCF-style (leftmost placement, unchanged base first): chr3-180663934-TACTC-T. GRCh37 (hg19) VCF-style: chr3-180381722-TACTC-T.
Other names: short protein forms E47fs.
Identifiers: ClinVar variation 2818089 (VCV002818089.3), dbSNP rs2473828687, ClinGen allele CA2739279773.

ClinVar aggregate classification (germline): Pathogenic (1 of 4 stars; one submission).

Conditions:
Primary ciliary dyskinesia. Also called: Ciliary dyskinesia. Identifiers: Orphanet 244, MedGen C0008780, MONDO:0016575, HP:0012265.

Submission:

Labcorp Genetics (formerly Invitae), Labcorp
Classification: Pathogenic for Primary ciliary dyskinesia. Last evaluated: 2024-06-03. Review status: criteria provided, single submitter. Criteria: Invitae Variant Classification Sherloc (09022015). Collection method: clinical testing. Allele origin: germline.
Comment: This sequence change creates a premature translational stop signal (p.Glu47Metfs*8) in the CCDC39 gene. It is expected to result in an absent or disrupted protein product. Loss-of-function variants in CCDC39 are known to be pathogenic (PMID: 21131972, 23255504). This variant is not present in population databases (gnomAD no frequency). This variant has not been reported in the literature in individuals affected with CCDC39-related conditions. For these reasons, this variant has been classified as Pathogenic.

Literature cited by the submitters: PubMed 21131972; PubMed 23255504.